The following is an entry in ClinVar:

NM_000391.4(TPP1):c.*986C>G

Gene: TPP1 (tripeptidyl peptidase 1; minus strand). Cytogenetic location: 11p15.4.
Variant type: single nucleotide variant.
Coding change: c.*986C>G on transcript NM_000391.4 (MANE Select); 986 bases downstream of the stop codon, C replaced by G.
Molecular consequence: 3 prime UTR variant.
Genome position (GRCh38, 1-based): chr11:6,613,560, G>C on the plus strand (C>G on the coding strand, the complement: TPP1 is on the minus strand). VCF-style: chr11-6613560-G-C. GRCh37 (hg19) VCF-style: chr11-6634791-G-C.
Identifiers: ClinVar variation 305499 (VCV000305499.5), dbSNP rs188148381, ClinGen allele CA10631275.

ClinVar aggregate classification (germline): Likely benign (1 of 4 stars; one submission).

Conditions:
Neuronal ceroid lipofuscinosis 2. Also called: TPP1-Related Neuronal Ceroid-Lipofuscinosis; JANSKY-BIELSCHOWSKY DISEASE NEURONAL CEROID LIPOFUSCINOSIS, LATE INFANTILE. Identifiers: Orphanet 168491, Orphanet 228349, Orphanet 79264, MedGen C1876161, MONDO:0008769, OMIM 204500.

Allele frequency attached by ClinVar (database versions not stated): 1000 Genomes Project 0.00359; 1000 Genomes Project 30x 0.00359; gnomAD 0.00428 and 0.00455; TOPMed 0.00479.

Submission:

Illumina Laboratory Services, Illumina
Classification: Likely benign for Neuronal ceroid lipofuscinosis 2. Last evaluated: 2018-01-13. Review status: criteria provided, single submitter. Criteria: ICSL Variant Classification Criteria 13 December 2019. Collection method: clinical testing. Allele origin: germline.
Comment: This variant was observed in the ICSL laboratory as part of a predisposition screen in an ostensibly healthy population. It had not been previously curated by ICSL or reported in the Human Gene Mutation Database (HGMD: prior to June 1st, 2018), and was therefore a candidate for classification through an automated scoring system. Utilizing variant allele frequency, disease prevalence and penetrance estimates, and inheritance mode, an automated score was calculated to assess if this variant is too frequent to cause the disease. Based on the score and internal cut-off values, a variant classified as likely benign is not then subjected to further curation. The score for this variant resulted in a classification of likely benign for this disease.